The following is an entry in ClinVar:

NM_007294.4(BRCA1):c.2331_2332dup (p.Gly778fs)

Gene: BRCA1 (BRCA1 DNA repair associated; minus strand). Cytogenetic location: 17q21.31.
Variant type: Duplication.
Coding change: c.2331_2332dup on transcript NM_007294.4 (MANE Select); coding-DNA positions 2331 to 2332, 2 bases duplicated (TG; older notation c.2331_2332dupTG).
Protein change: p.Gly778fs; shifts the reading frame from glycine 778.
Molecular consequence: frameshift variant. On other transcripts: intron variant (137).
Genome position (GRCh38, 1-based): chr17:43,093,199-43,093,200, CA duplicated on the plus strand (TG on the coding strand, the reverse complement: BRCA1 is on the minus strand). VCF-style (leftmost placement, unchanged base first): chr17-43093198-C-CCA. GRCh37 (hg19) VCF-style: chr17-41245215-C-CCA.
Other names: 2451insTG; c.2331_2332dupTG (NM_007294.3); c.664+1544_664+1545dup (NM_001408426.1, NM_001408436.1, NM_001408444.1 and 12 more transcripts); c.787+1544_787+1545dup (NM_001407982.1, NM_001407970.1, NM_001407980.1 and 17 more transcripts); c.2118_2119dup, p.Gly707fs (NM_001407571.1, NM_001407853.1, NM_001407894.1 and 9 more transcripts); c.2331_2332dup, p.Gly778fs (NM_001407581.1, NM_001407582.1, NM_001407583.1 and 30 more transcripts); c.2328_2329dup, p.Gly777fs (NM_001407587.1, NM_001407590.1, NM_001407591.1 and 22 more transcripts); c.2322_2323dup, p.Gly775fs (NM_001407646.1, NM_001407647.1); and 43 more; short protein forms G731fs, G778fs, G650fs, G666fs, G689fs, G708fs, G710fs, G711fs.
Identifiers: ClinVar variation 252382 (VCV000252382.14), dbSNP rs431825390, ClinGen allele CA001558.

ClinVar aggregate classification (germline): Pathogenic. Review status: reviewed by expert panel (3 of 4 stars). 8 submissions from 7 submitters: Pathogenic (1). 7 of the submissions do not count toward it. Last evaluated 2017-12-15.

Conditions:
Familial cancer of breast. Also called: BREAST CANCER, FAMILIAL; hereditary breast carcinoma; Hereditary breast cancer. Identifiers: Orphanet 227535, MedGen C0346153, MONDO:0016419, OMIM 114480. Disease mechanism: loss of function.
Hereditary cancer-predisposing syndrome. Also called: Hereditary Cancer Syndrome; Neoplastic Syndromes, Hereditary; Hereditary neoplastic syndrome; Tumor predisposition. Identifiers: Orphanet 140162, MedGen C0027672, MeSH D009386, MONDO:0015356.
Hereditary breast ovarian cancer syndrome. Also called: Hereditary breast and ovarian cancer syndrome (HBOC); Breast and ovarian cancer; Hereditary breast and ovarian cancer syndrome; Hereditary breast and ovarian cancer; BRCA1- and BRCA2-Associated Hereditary Breast and Ovarian Cancer; Hereditary breast and/or ovarian cancer syndrome. Identifiers: Orphanet 145, MedGen C0677776, MeSH D061325, MONDO:0003582. Disease mechanism: loss of function.
Breast-ovarian cancer, familial, susceptibility to, 1 (BROVCA1). Also called: BRCA1 Hereditary Breast and Ovarian Cancer; OVARIAN CANCER, SUSCEPTIBILITY TO. Identifiers: Orphanet 145, MedGen C2676676, MONDO:0011450, OMIM 604370. Disease mechanism: loss of function.

Submissions (8):

Evidence-based Network for the Interpretation of Germline Mutant Alleles (ENIGMA)
Classification: Pathogenic for Breast-ovarian cancer, familial, susceptibility to, 1. Last evaluated: 2017-12-15. Review status: reviewed by expert panel. Criteria: ENIGMA BRCA1/2 Classification Criteria (2017-06-29). Collection method: curation. Allele origin: germline. Study: ENIGMA.
Comment: Variant allele predicted to encode a truncated non-functional protein.

Labcorp Genetics (formerly Invitae), Labcorp
Classification: Pathogenic for Hereditary breast ovarian cancer syndrome. Last evaluated: 2025-02-17. Review status: criteria provided, single submitter. Criteria: Invitae Variant Classification Sherloc (09022015). Collection method: clinical testing. Allele origin: germline. Not counted in ClinVar's aggregate classification.
Comment: This sequence change creates a premature translational stop signal (p.Gly778Valfs*15) in the BRCA1 gene. It is expected to result in an absent or disrupted protein product. Loss-of-function variants in BRCA1 are known to be pathogenic (PMID: 20104584). This variant is not present in population databases (gnomAD no frequency). This variant has not been reported in the literature in individuals affected with BRCA1-related conditions. ClinVar contains an entry for this variant (Variation ID: 252382). For these reasons, this variant has been classified as Pathogenic.

Baylor Genetics
Classification: Likely pathogenic for Breast-ovarian cancer, familial, susceptibility to, 1. Last evaluated: 2023-02-14. Review status: criteria provided, single submitter. Criteria: ACMG Guidelines, 2015. Collection method: clinical testing. Allele origin: unknown. Not counted in ClinVar's aggregate classification.

Ambry Genetics
Classification: Pathogenic for Hereditary cancer-predisposing syndrome. Last evaluated: 2016-11-28. Review status: criteria provided, single submitter. Criteria: Ambry Variant Classification Scheme 2023. Collection method: clinical testing. Allele origin: germline. Not counted in ClinVar's aggregate classification.
Comment: The c.2331_2332dupTG pathogenic mutation, located in coding exon 9 of the BRCA1 gene, results from a duplication of TG at nucleotide position 2331, causing a translational frameshift with a predicted alternate stop codon. This alteration is expected to result in loss of function by premature protein truncation or nonsense-mediated mRNA decay. As such, this alteration is interpreted as a disease-causing mutation.

GeneDx
Classification: Pathogenic. Last evaluated: 2016-05-06. Review status: criteria provided, single submitter. Criteria: GeneDx Variant Classification (06012015). Collection method: clinical testing. Allele origin: germline. Affected: yes. Not counted in ClinVar's aggregate classification.
Comment: This duplication of two nucleotides is denoted BRCA1 c.2331_2332dupTG at the cDNA level and p.Gly778ValfsX15 (G778VfsX15) at the protein level. This variant is also known as BRCA1 2450_2451dupTG or 2451insTG using alternate nomenclature. The normal sequence, with the bases that are duplicated in braces, is ATTA[TG]GCAC. The duplication causes a frameshift, which changes a Glycine to a Valine at codon 778, and creates a premature stop codon at position 15 of the new reading frame. Although this variant has not, to our knowledge, been reported in the literature, it is predicted to cause loss of normal protein function through either protein truncation or nonsense-mediated mRNA decay. We consider this variant to be pathogenic.

Quest Diagnostics Nichols Institute San Juan Capistrano
Classification: Pathogenic for Breast-ovarian cancer, familial, susceptibility to, 1. Last evaluated: 2015-09-25. Review status: criteria provided, single submitter. Criteria: Quest Diagnostics criteria. Collection method: clinical testing. Allele origin: germline. Inheritance: Autosomal dominant inheritance. Not counted in ClinVar's aggregate classification.

Sharing Clinical Reports Project (SCRP)
Classification: Pathogenic for Breast-ovarian cancer, familial 1. Last evaluated: 2011-10-17. Review status: no assertion criteria provided. Collection method: clinical testing. Allele origin: germline. Not counted in ClinVar's aggregate classification.

GeneDx
Classification: Pathogenic for Familial cancer of breast. Last evaluated: 2014-06-25. Review status: flagged submission. Criteria: GeneDx Variant Classification (06012015). Collection method: clinical testing. Allele origin: germline. Affected: yes. Not counted in ClinVar's aggregate classification.
Comment: This insertion of 2 nucleotides is denoted BRCA1 c.2332_2333insTG (a.k.a c.2331_2332dupTG) at the cDNA level and p.Gly778ValfsX15 (G778VfsX15) at the protein level. The normal sequence, with the bases that are inserted in brackets, is TATG{insTG}GCAC. The insertion causes a frameshift, which changes a Glycine to a Valine at codon 778 in exon 10, and creates a premature stop codon at position 15 of the new reading frame. This mutation is also known as BRCA1 2451insTG using alternate nomenclature. Although this mutation has not, to our knowledge, been reported in the literature, it is predicted to cause loss of normal protein function through either protein truncation or nonsense-mediated mRNA decay. We consider this mutation to be pathogenic. and is indicative of Hereditary Breast and Ovarian Cancer (HBOC), an autosomal dominant condition that predisposes to early onset breast cancer, ovarian and fallopian tube cancer, as well as other cancers. Breast and ovarian cancer are the predominant BRCA1-related cancers that unaffected female mutation carriers are at risk to develop. The lifetime risk for breast cancer is estimated to be 57 to 84% and the lifetime risk for ovarian cancer is estimated to be 24 to 54% (Antoniou 2003, Chen 2007, Ford 1998). BRCA1 mutations have also been reported in women with fallopian tube carcinoma, primary peritoneal carcinoma, and uterine serous carcinoma (Levine 2003, Pennington 2013). Graeser et al. (2009) found that women who harbor a pathogenic BRCA1 mutation have an increased risk for contralateral breast cancer that is dependent on age at initial diagnosis. It is estimated that the risk to develop a second breast cancer within 10 years of the first diagnosis if initially diagnosed less than age 40 years of age is 31%, between the ages of 40 and 50 is 11% and after the age of 50 is 8%. Additionally, it is estimated that the risk to develop a second breast cancer within 25 years of their first diagnosis if initially diagnosed less than age 40 years of age is 63%, between the ages of 40 and 50 is 44% and after the age of 50 is 20%. Other cancer risks associated with a BRCA1 pathogenic variant include approximately a 20% risk for prostate cancer in male carriers (Thompson 2002), a 4% risk for male breast cancer (Liede 2004), and an estimated 1 to 3% risk for pancreatic cancer in both men and women (Brose 2002, Thompson 2002). The variant is found in BRCA panel(s).
ClinVar note: Reason: This record appears to be redundant with a more recent record from the same submitter.
ClinVar note: Notes: SCV000210021 appears to be redundant with SCV000564725.

Literature cited by the submitters: PubMed 20104584 (cited by Labcorp Genetics (formerly Invitae), Labcorp); PubMed 26295337 (cited by Quest Diagnostics Nichols Institute San Juan Capistrano).